The following is an entry in ClinVar:

ClinVar aggregate classification (germline): Uncertain significance (1 of 4 stars; one submission).

Submission:

CeGaT Center for Human Genetics Tuebingen
Classification: Uncertain significance. Last evaluated: 2026-07-01. Review status: criteria provided, single submitter. Criteria: CeGaT Center For Human Genetics Tuebingen Variant Classification Criteria Version 2. Collection method: clinical testing. Allele origin: germline. Affected: yes. Observed: 1 variant allele.
Comment: RNU4-2: PM2

NR_003137.3(RNU4-2):n.89T>C

Genes: RNU4-2 (RNA, U4 small nuclear 2; minus strand), SIRT4 (sirtuin 4; plus strand). Cytogenetic location: 12q24.23.
Variant type: single nucleotide variant.
Molecular consequence: non-coding transcript variant (on NR_003137.3).
Genome position: GRCh38 VCF-style: chr12-120291815-A-G. GRCh37 (hg19) VCF-style: chr12-120729618-A-G.
Identifiers: ClinVar variation 5039808 (VCV005039808.1).